The following is an entry in ClinVar:

ClinVar aggregate classification (germline): Uncertain significance (1 of 4 stars; one submission).

Conditions:
Hereditary cancer-predisposing syndrome. Also called: Neoplastic Syndromes, Hereditary; Tumor predisposition; Hereditary Cancer Syndrome; Hereditary neoplastic syndrome. Identifiers: Orphanet 140162, MedGen C0027672, MeSH D009386, MONDO:0015356.

Submission:

Ambry Genetics
Classification: Uncertain significance for Hereditary cancer-predisposing syndrome. Last evaluated: 2026-03-26. Review status: criteria provided, single submitter. Criteria: Ambry Variant Classification Scheme 2023. Collection method: clinical testing. Allele origin: germline.
Comment: The p.T2654P variant (also known as c.7960A>C), located in coding exon 15 of the APC gene, results from an A to C substitution at nucleotide position 7960. The threonine at codon 2654 is replaced by proline, an amino acid with highly similar properties. This amino acid position is conserved. In addition, in silico predictors for this gene do not accurately predict pathogenicity. Based on the available evidence, the clinical significance of this variant remains unclear.

NM_000038.6(APC):c.7960A>C (p.Thr2654Pro)

Gene: APC (APC regulator of Wnt signaling pathway; plus strand). Cytogenetic location: 5q22.2.
Variant type: single nucleotide variant.
Coding change: c.7960A>C on transcript NM_000038.6 (MANE Select); coding-DNA position 7960, A replaced by C.
Protein change: p.Thr2654Pro; replaces threonine 2654 with proline.
Molecular consequence: missense variant. On other transcripts: non-coding transcript variant (2).
Genome position (GRCh38, 1-based): chr5:112,843,554, A>C. VCF-style: chr5-112843554-A-C. GRCh37 (hg19) VCF-style: chr5-112179251-A-C.
Other names: c.7711A>C, p.Thr2571Pro (NM_001407456.1, NM_001407457.1, NM_001407454.1 and 1 more transcripts); c.7657A>C, p.Thr2553Pro (NM_001407458.1, NM_001407459.1, NM_001407460.1 and 1 more transcripts); c.7573A>C, p.Thr2525Pro (NM_001407467.1, NM_001407469.1); c.7111A>C, p.Thr2371Pro (NM_001407470.1, NM_001354906.2); c.6808A>C, p.Thr2270Pro (NM_001407471.1, NM_001407472.1); c.7960A>C, p.Thr2654Pro (NM_001127510.3, NM_001354895.2, NM_001407450.1); c.7906A>C, p.Thr2636Pro (NM_001127511.3); c.8014A>C, p.Thr2672Pro (NM_001354896.2, NM_001407447.1, NM_001407448.1 and 1 more transcripts); and 11 more; short protein forms T2270P, T2371P, T2494P, T2525P, T2528P, T2553P, T2563P, T2571P.
Identifiers: ClinVar variation 4860607 (VCV004860607.1).
Genomic context (GRCh38, chr5:112,843,554, plus strand): 5'-GCTACAAATGGTGCTGAATCAAAGACTCTAATTTATCAAATGGCACCTGCTGTTTCTAAA[A>C]CAGAGGATGTTTGGGTGAGAATTGAGGACTGTCCCATTAACAATCCTAGATCTGGAAGAT-3'
Protein context (NP_000029.2, residues 2644-2664): IYQMAPAVSK[Thr2654Pro]EDVWVRIEDC